The following is an entry in ClinVar:

ClinVar aggregate classification (germline): Uncertain significance (1 of 4 stars; one submission).

Allele frequency attached by ClinVar (database versions not stated): TOPMed below 0.00001.

Submission:

Labcorp Genetics (formerly Invitae), Labcorp
Classification: Uncertain significance. Last evaluated: 2024-10-16. Review status: criteria provided, single submitter. Criteria: Invitae Variant Classification Sherloc (09022015). Collection method: clinical testing. Allele origin: germline.
Comment: This sequence change replaces proline, which is neutral and non-polar, with leucine, which is neutral and non-polar, at codon 1018 of the VCAN protein (p.Pro1018Leu). This variant is not present in population databases (gnomAD no frequency). This variant has not been reported in the literature in individuals affected with VCAN-related conditions. ClinVar contains an entry for this variant (Variation ID: 1959522). An algorithm developed to predict the effect of missense changes on protein structure and function outputs the following: PolyPhen-2: "Possibly Damaging". The leucine amino acid residue is found in multiple mammalian species, which suggests that this missense change does not adversely affect protein function. In summary, the available evidence is currently insufficient to determine the role of this variant in disease. Therefore, it has been classified as a Variant of Uncertain Significance.

NM_004385.5(VCAN):c.3053C>T (p.Pro1018Leu)

Gene: VCAN (versican; plus strand). Cytogenetic location: 5q14.3.
Variant type: single nucleotide variant.
Coding change: c.3053C>T on transcript NM_004385.5 (MANE Select); coding-DNA position 3053, C replaced by T.
Protein change: p.Pro1018Leu; replaces proline 1018 with leucine.
Molecular consequence: missense variant. On other transcripts: intron variant (2).
Genome position (GRCh38, 1-based): chr5:83,521,359, C>T. VCF-style: chr5-83521359-C-T. GRCh37 (hg19) VCF-style: chr5-82817178-C-T.
Other names: c.3053C>T, p.Pro1018Leu (NM_001164098.2); c.1042+8963C>T (NM_001164097.2, NM_001126336.3); short protein forms P1018L.
Identifiers: ClinVar variation 1959522 (VCV001959522.5), dbSNP rs1746090580, ClinGen allele CA360305240.